The following is an entry in ClinVar:

ClinVar aggregate classification (germline): Uncertain significance (1 of 4 stars; one submission).

Conditions:
Charcot-Marie-Tooth disease dominant intermediate C (CMTDIC). Also called: CHARCOT-MARIE-TOOTH NEUROPATHY, DOMINANT INTERMEDIATE C. Identifiers: Orphanet 100045, MedGen C1842237, MONDO:0012012, OMIM 608323.

Allele frequency attached by ClinVar (database versions not stated): gnomAD exomes below 0.00001; gnomAD 0.00001; TOPMed 0.00001.
gnomAD v4.1: 3 of 1,614,018 alleles (0.00019%); highest among the groups gnomAD compares: Non-Finnish European, 0.00025%; no homozygotes.

Submission:

Labcorp Genetics (formerly Invitae), Labcorp
Classification: Uncertain significance for Charcot-Marie-Tooth disease dominant intermediate C. Last evaluated: 2025-11-01. Review status: criteria provided, single submitter. Criteria: Invitae Variant Classification Sherloc (09022015). Collection method: clinical testing. Allele origin: germline.
Comment: This sequence change replaces aspartic acid, which is acidic and polar, with tyrosine, which is neutral and polar, at codon 308 of the YARS protein (p.Asp308Tyr). This variant is present in population databases (no rsID available, gnomAD 0.0009%). This missense change has been observed in individual(s) with YARS-related conditions (PMID: 36307205). ClinVar contains an entry for this variant (Variation ID: 1681503). Invitae Evidence Modeling of protein sequence and biophysical properties (such as structural, functional, and spatial information, amino acid conservation, physicochemical variation, residue mobility, and thermodynamic stability) indicates that this missense variant is expected to disrupt YARS protein function with a positive predictive value of 80%. Experimental studies have shown that this missense change affects YARS function (PMID: 36307205). In summary, the available evidence is currently insufficient to determine the role of this variant in disease. Therefore, it has been classified as a Variant of Uncertain Significance.

Literature cited by the submitters: PubMed 36307205.

NM_003680.4(YARS1):c.922G>T (p.Asp308Tyr)

Gene: YARS1 (tyrosyl-tRNA synthetase 1; minus strand). Cytogenetic location: 1p35.1.
Variant type: single nucleotide variant.
Coding change: c.922G>T on transcript NM_003680.4 (MANE Select); coding-DNA position 922, G replaced by T.
Protein change: p.Asp308Tyr; replaces aspartic acid 308 with tyrosine.
Molecular consequence: missense variant.
Genome position (GRCh38, 1-based): chr1:32,782,524, C>A on the plus strand (G>T on the coding strand, the complement: YARS1 is on the minus strand). VCF-style: chr1-32782524-C-A. GRCh37 (hg19) VCF-style: chr1-33248125-C-A.
Other names: short protein forms D308Y.
Identifiers: ClinVar variation 1681503 (VCV001681503.8), dbSNP rs1207371448, ClinGen allele CA339683664.